The following is an entry in ClinVar:

ClinVar aggregate classification (germline): Likely benign. Review status: criteria provided, multiple submitters, no conflicts (2 of 4 stars). 2 submissions from 2 submitters: Likely benign (2). Last evaluated 2025-03-14.

Conditions:
Pheochromocytoma/paraganglioma syndrome 3. Also called: GLOMUS TUMORS, FAMILIAL, 3; SDHC-Related Hereditary Paraganglioma-Pheochromocytoma Syndrome (Paragangliomas 3); SDHC-Related Hereditary Paraganglioma-Pheochromocytoma Syndrome; Paragangliomas 3. Identifiers: Orphanet 29072, MedGen C1854336, MONDO:0011544, OMIM 605373.
Gastrointestinal stromal tumor. Also called: Gastrointestinal stroma tumor; Gastrointestinal stromal tumor, somatic. Identifiers: Orphanet 44890, MedGen C0238198, MeSH D046152, MONDO:0011719, OMIM 606764, HP:0100723.

Submissions (2):

Myriad Genetics, Inc.
Classification: Likely benign for Pheochromocytoma/paraganglioma syndrome 3. Last evaluated: 2025-03-14. Review status: criteria provided, single submitter. Criteria: Myriad Autosomal Dominant, Autosomal Recessive and X-Linked Classification Criteria (2023). Collection method: clinical testing. Allele origin: unknown.
Comment: This variant is considered likely benign. This variant is intronic and is not expected to impact mRNA splicing.

Labcorp Genetics (formerly Invitae), Labcorp
Classification: Likely benign for Pheochromocytoma/paraganglioma syndrome 3; Gastrointestinal stromal tumor. Last evaluated: 2023-04-22. Review status: criteria provided, single submitter. Criteria: Invitae Variant Classification Sherloc (09022015). Collection method: clinical testing. Allele origin: germline.

NM_003001.5(SDHC):c.78-17G>A

Gene: SDHC (succinate dehydrogenase complex subunit C; plus strand). Cytogenetic location: 1q23.3.
Variant type: single nucleotide variant.
Coding change: c.78-17G>A on transcript NM_003001.5 (MANE Select); 17 bases into the intron before coding-DNA position 78, G replaced by A.
Molecular consequence: intron variant.
Genome position (GRCh38, 1-based): chr1:161,328,379, G>A. VCF-style: chr1-161328379-G-A. GRCh37 (hg19) VCF-style: chr1-161298169-G-A.
Other names: c.-34-17G>A (NM_001407119.1, NM_001407120.1); c.78-17G>A (NM_001407115.1, NM_001035511.3); c.77+4709G>A (NM_001035512.3, NM_001278172.3, NM_001407118.1); c.21-17G>A (NM_001407116.1, NM_001407121.1, NM_001407117.1); c.21-12215G>A (NM_001035513.3).
Identifiers: ClinVar variation 2137520 (VCV002137520.5), dbSNP rs2526363560, ClinGen allele CA2574078320.
Genomic context (GRCh38, chr1:161,328,379, plus strand): 5'-GACTTAATAAAACGTTATGCAAAATATTAAACCAAGTTTACTTTTAGTTATTTTCAAACG[G>A]TCTGGTTTTATTTTAGTGCTGTTCCTTTGGGAACCACGGCCAAAGAAGAGATGGAGCGGT-3'